The following is an entry in ClinVar:

NM_001378454.1(ALMS1):c.439G>A (p.Gly147Arg)

Gene: ALMS1 (ALMS1 centrosome and basal body associated protein; plus strand). Cytogenetic location: 2p13.1.
Variant type: single nucleotide variant.
Coding change: c.439G>A on transcript NM_001378454.1 (MANE Select); coding-DNA position 439, G replaced by A.
Protein change: p.Gly147Arg; replaces glycine 147 with arginine.
Molecular consequence: missense variant.
Genome position (GRCh38, 1-based): chr2:73,408,736, G>A. VCF-style: chr2-73408736-G-A. GRCh37 (hg19) VCF-style: chr2-73635864-G-A.
Other names: c.442G>A, p.Gly148Arg (NM_015120.4); short protein forms G147R, G148R.
Identifiers: ClinVar variation 3353010 (VCV003353010.1).

ClinVar aggregate classification (germline): Uncertain significance (0 of 4 stars; one submission).

Conditions:
ALMS1-related disorder. Also called: ALMS1-related condition.

Submission:

PreventionGenetics, part of Exact Sciences
Classification: Uncertain significance for ALMS1-related condition. Last evaluated: 2024-03-13. Review status: no assertion criteria provided. Collection method: clinical testing. Allele origin: germline.
Comment: The ALMS1 c.442G>A variant is predicted to result in the amino acid substitution p.Asp148Asn. To our knowledge, this variant has not been reported in the literature. This variant is reported in 0.011% of alleles in individuals of European (Non-Finnish) descent in gnomAD. At this time, the clinical significance of this variant is uncertain due to the absence of conclusive functional and genetic evidence.